The following continues an entry in ClinVar:

NM_001267550.2(TTN):c.69676A>G (p.Ser23226Gly)

ClinVar aggregate classification (germline): Benign/Likely benign. Benign (17); Likely benign (7).

Submissions 55 to 67 of 67:

Dr. Peter K. Rogan Lab, Western University
No classification provided (evidence only). Condition: Malignant tumor of esophagus. Review status: no classification provided. Collection method: in vitro. Allele origin: not applicable. Functional consequence: retained intron. Not counted in ClinVar's aggregate classification.

Dr. Peter K. Rogan Lab, Western University
No classification provided (evidence only). Condition: Malignant tumor of esophagus. Review status: no classification provided. Collection method: in vitro. Allele origin: not applicable. Functional consequence: retained intron. Not counted in ClinVar's aggregate classification.

Dr. Peter K. Rogan Lab, Western University
No classification provided (evidence only). Condition: Malignant tumor of esophagus. Review status: no classification provided. Collection method: in vitro. Allele origin: not applicable. Functional consequence: retained intron. Not counted in ClinVar's aggregate classification.

Dr. Peter K. Rogan Lab, Western University
No classification provided (evidence only). Condition: Chronic lymphocytic leukemia/small lymphocytic lymphoma. Review status: no classification provided. Collection method: in vitro. Allele origin: not applicable. Functional consequence: retained intron. Not counted in ClinVar's aggregate classification.

Dr. Peter K. Rogan Lab, Western University
No classification provided (evidence only). Condition: Chronic lymphocytic leukemia/small lymphocytic lymphoma. Review status: no classification provided. Collection method: in vitro. Allele origin: not applicable. Functional consequence: retained intron. Not counted in ClinVar's aggregate classification.

Dr. Peter K. Rogan Lab, Western University
No classification provided (evidence only). Condition: Nonpapillary renal cell carcinoma. Review status: no classification provided. Collection method: in vitro. Allele origin: not applicable. Functional consequence: retained intron. Not counted in ClinVar's aggregate classification.

Dr. Peter K. Rogan Lab, Western University
No classification provided (evidence only). Condition: Familial pancreatic carcinoma. Review status: no classification provided. Collection method: in vitro. Allele origin: not applicable. Functional consequence: retained intron. Not counted in ClinVar's aggregate classification.

Dr. Peter K. Rogan Lab, Western University
No classification provided (evidence only). Condition: Lymphoma. Review status: no classification provided. Collection method: in vitro. Allele origin: not applicable. Functional consequence: retained intron. Not counted in ClinVar's aggregate classification.

Dr. Peter K. Rogan Lab, Western University
No classification provided (evidence only). Condition: Lymphoma. Review status: no classification provided. Collection method: in vitro. Allele origin: not applicable. Functional consequence: retained intron. Not counted in ClinVar's aggregate classification.

Dr. Peter K. Rogan Lab, Western University
No classification provided (evidence only). Condition: Ovarian cancer. Review status: no classification provided. Collection method: in vitro. Allele origin: not applicable. Functional consequence: retained intron. Not counted in ClinVar's aggregate classification.

Genome Diagnostics Laboratory, University Medical Center Utrecht
Classification: Benign. Review status: no assertion criteria provided. Collection method: clinical testing. Allele origin: germline. Affected: yes. Study: VKGL Data-share Consensus. Not counted in ClinVar's aggregate classification.

Joint Genome Diagnostic Labs from Nijmegen and Maastricht, Radboudumc and MUMC+
Classification: Benign. Review status: no assertion criteria provided. Collection method: clinical testing. Allele origin: germline. Affected: yes. Study: VKGL Data-share Consensus. Not counted in ClinVar's aggregate classification.

Laboratory of Diagnostic Genome Analysis, Leiden University Medical Center (LUMC)
Classification: Likely benign. Review status: no assertion criteria provided. Collection method: clinical testing. Allele origin: germline. Affected: yes. Study: VKGL Data-share Consensus. Not counted in ClinVar's aggregate classification.